The following is an entry in ClinVar:

ClinVar aggregate classification (germline): Uncertain significance (1 of 4 stars; one submission).

Conditions:
Infantile neuroaxonal dystrophy (NBIA2A). Also called: NEURODEGENERATION WITH BRAIN IRON ACCUMULATION 2A; SEITELBERGER DISEASE; Infantile neuroaxonal dystrophy 1. Identifiers: Orphanet 35069, MedGen C0270724, MONDO:0024457, OMIM 256600.

Allele frequency attached by ClinVar (database versions not stated): gnomAD 0.00001; ExAC 0.00006.
gnomAD v4.1: 16 of 1,545,352 alleles (0.001%); highest among the groups gnomAD compares: Middle Eastern, 0.02%; no homozygotes.

Submission:

Labcorp Genetics (formerly Invitae), Labcorp
Classification: Uncertain significance for Infantile neuroaxonal dystrophy. Last evaluated: 2022-08-04. Review status: criteria provided, single submitter. Criteria: Invitae Variant Classification Sherloc (09022015). Collection method: clinical testing. Allele origin: germline.
Comment: This sequence change replaces serine, which is neutral and polar, with leucine, which is neutral and non-polar, at codon 359 of the PLA2G6 protein (p.Ser359Leu). The frequency data for this variant in the population databases is considered unreliable, as metrics indicate poor data quality at this position in the gnomAD database. This variant has not been reported in the literature in individuals affected with PLA2G6-related conditions. Algorithms developed to predict the effect of missense changes on protein structure and function output the following: SIFT: "Tolerated"; PolyPhen-2: "Benign"; Align-GVGD: "Class C0". The leucine amino acid residue is found in multiple mammalian species, which suggests that this missense change does not adversely affect protein function. In summary, the available evidence is currently insufficient to determine the role of this variant in disease. Therefore, it has been classified as a Variant of Uncertain Significance.

NM_003560.4(PLA2G6):c.1076C>T (p.Ser359Leu)

Gene: PLA2G6 (phospholipase A2 group VI; minus strand). Cytogenetic location: 22q13.1.
Variant type: single nucleotide variant.
Coding change: c.1076C>T on transcript NM_003560.4 (MANE Select); coding-DNA position 1076, C replaced by T.
Protein change: p.Ser359Leu; replaces serine 359 with leucine.
Molecular consequence: missense variant.
Genome position (GRCh38, 1-based): chr22:38,132,832, G>A on the plus strand (C>T on the coding strand, the complement: PLA2G6 is on the minus strand). VCF-style: chr22-38132832-G-A. GRCh37 (hg19) VCF-style: chr22-38528839-G-A.
Other names: c.1076C>T, p.Ser359Leu (NM_001004426.3, NM_001199562.3, NM_001349864.2 and 2 more transcripts); c.542C>T, p.Ser181Leu (NM_001349867.2, NM_001349869.2); c.398C>T, p.Ser133Leu (NM_001349868.2); short protein forms S181L, S359L, S133L.
Identifiers: ClinVar variation 1909897 (VCV001909897.2), dbSNP rs752447880, ClinGen allele CA10231063.